The following is an entry in ClinVar:

ClinVar aggregate classification (germline): Likely pathogenic (1 of 4 stars; one submission).

Conditions:
Popov-Chang syndrome (POPCHAS). Also called: NEURODEVELOPMENTAL DISORDER WITH IMPAIRED SPEECH AND DYSMORPHIC FACIAL FEATURES. Identifiers: MedGen C6065892, MONDO:0979865, OMIM 618428.

Submission:

Groupe Hospitalier Pitie Salpetriere, Uf Genomique Du Developpement, Assistance Publique Hopitaux de Paris Sorbonne Université
Classification: Likely pathogenic for Popov-Chang syndrome. Review status: criteria provided, single submitter. Criteria: ACMG Guidelines, 2015. Collection method: clinical testing. Allele origin: de novo. Inheritance: Autosomal dominant inheritance. Affected: yes. Observed: 1 variant allele, 1 heterozygote.
Comment: PS2, PM2, PM5, PP3

NM_145690.3(YWHAZ):c.380G>A (p.Arg127His)

Gene: YWHAZ (tyrosine 3-monooxygenase/tryptophan 5-monooxygenase activation protein zeta; minus strand). Cytogenetic location: 8q22.3.
Variant type: single nucleotide variant.
Coding change: c.380G>A on transcript NM_145690.3 (MANE Select); coding-DNA position 380, G replaced by A.
Protein change: p.Arg127His; replaces arginine 127 with histidine.
Molecular consequence: missense variant.
Genome position (GRCh38, 1-based): chr8:100,924,954, C>T on the plus strand (G>A on the coding strand, the complement: YWHAZ is on the minus strand). VCF-style: chr8-100924954-C-T. GRCh37 (hg19) VCF-style: chr8-101937182-C-T.
Other names: c.380G>A, p.Arg127His (NM_001135699.2, NM_001135700.2, NM_001135701.2 and 2 more transcripts); short protein forms R127H.
Identifiers: ClinVar variation 4974543 (VCV004974543.1).